The following is an entry in ClinVar:

NM_024598.4(USB1):c.206G>A (p.Gly69Glu)

Gene: USB1 (U6 snRNA biogenesis phosphodiesterase 1; plus strand). Cytogenetic location: 16q21.
Variant type: single nucleotide variant.
Coding change: c.206G>A on transcript NM_024598.4 (MANE Select); coding-DNA position 206, G replaced by A.
Protein change: p.Gly69Glu; replaces glycine 69 with glutamic acid.
Molecular consequence: missense variant.
Genome position (GRCh38, 1-based): chr16:58,002,586, G>A. VCF-style: chr16-58002586-G-A. GRCh37 (hg19) VCF-style: chr16-58036490-G-A.
Other names: c.206G>A, p.Gly69Glu (NM_001195302.2, NM_001204911.2, NM_001330569.2); c.53G>A, p.Gly18Glu (NM_001330568.2); short protein forms G18E, G69E.
Identifiers: ClinVar variation 3978180 (VCV003978180.1).

ClinVar aggregate classification (germline): Uncertain significance (1 of 4 stars; one submission).

Conditions:
Inborn genetic diseases. Identifiers: MedGen C0950123, MeSH D030342.

gnomAD v4.1: 1 of 1,613,974 alleles (0.000062%); highest among the groups gnomAD compares: African/African-American, 0.0013%; no homozygotes.

Submission:

Ambry Genetics
Classification: Uncertain significance for Inborn genetic diseases. Last evaluated: 2025-05-31. Review status: criteria provided, single submitter. Criteria: Ambry Variant Classification Scheme 2023. Collection method: clinical testing. Allele origin: germline.
Comment: The p.G69E variant (also known as c.206G>A), located in coding exon 2 of the USB1 gene, results from a G to A substitution at nucleotide position 206. The glycine at codon 69 is replaced by glutamic acid, an amino acid with similar properties. This amino acid position is conserved. In addition, this alteration is predicted to be deleterious by in silico analysis. Based on the available evidence, the clinical significance of this variant remains unclear.